The following is an entry in ClinVar:

ClinVar aggregate classification (germline): Conflicting classifications of pathogenicity. Review status: criteria provided, conflicting classifications (1 of 4 stars). 3 submissions from 3 submitters: Uncertain significance (1); Benign (1); Likely benign (1). Last evaluated 2026-01-24.

Conditions:
Familial thoracic aortic aneurysm and aortic dissection (TAAD). Also called: Thoracic aortic aneurysms and dissections. Identifiers: Orphanet 91387, MedGen C4707243, MONDO:0019625.
Congenital contractural arachnodactyly (CCA). Also called: BEALS SYNDROME; Beals-Hecht syndrome; Arthrogryposis, distal, type 9. Identifiers: Orphanet 115, MedGen C0220668, MONDO:0007363, OMIM 121050.

Allele frequency attached by ClinVar (database versions not stated): 1000 Genomes Project 0.00060; TOPMed 0.00002; 1000 Genomes Project 30x 0.00062.
gnomAD v4.1: 86 of 1,585,200 alleles (0.0054%); highest among the groups gnomAD compares: East Asian, 0.19%; no homozygotes.

Submissions (3):

Labcorp Genetics (formerly Invitae), Labcorp
Classification: Likely benign for Congenital contractural arachnodactyly. Last evaluated: 2026-01-24. Review status: criteria provided, single submitter. Criteria: Invitae Variant Classification Sherloc (09022015). Collection method: clinical testing. Allele origin: germline.

Ambry Genetics
Classification: Uncertain significance for Familial thoracic aortic aneurysm and aortic dissection. Last evaluated: 2026-01-02. Review status: criteria provided, single submitter. Criteria: Ambry Variant Classification Scheme 2023. Collection method: clinical testing. Allele origin: germline.
Comment: The p.V2149A variant (also known as c.6446T>C) is located in coding exon 51 of the FBN2 gene. The valine at codon 2149 is replaced by alanine, an amino acid with similar properties. This change occurs in the first base pair of coding exon 51. This amino acid position is conserved. In addition, this alteration is predicted to be tolerated by in silico analysis. Based on the available evidence, the clinical significance of this variant remains unclear.

Illumina Laboratory Services, Illumina
Classification: Benign for Congenital contractural arachnodactyly. Last evaluated: 2018-01-13. Review status: criteria provided, single submitter. Criteria: ICSL Variant Classification Criteria 13 December 2019. Collection method: clinical testing. Allele origin: germline.
Comment: This variant was observed in the ICSL laboratory as part of a predisposition screen in an ostensibly healthy population. It had not been previously curated by ICSL or reported in the Human Gene Mutation Database (HGMD: prior to June 1st, 2018), and was therefore a candidate for classification through an automated scoring system. Utilizing variant allele frequency, disease prevalence and penetrance estimates, and inheritance mode, an automated score was calculated to assess if this variant is too frequent to cause the disease. Based on the score and internal cut-off values, a variant classified as benign is not then subjected to further curation. The score for this variant resulted in a classification of benign for this disease.

NM_001999.4(FBN2):c.6446T>C (p.Val2149Ala)

Gene: FBN2 (fibrillin 2; minus strand). Cytogenetic location: 5q23.3.
Variant type: single nucleotide variant.
Coding change: c.6446T>C on transcript NM_001999.4 (MANE Select); coding-DNA position 6446, T replaced by C.
Protein change: p.Val2149Ala; replaces valine 2149 with alanine.
Molecular consequence: missense variant.
Genome position (GRCh38, 1-based): chr5:128,289,947, A>G on the plus strand (T>C on the coding strand, the complement: FBN2 is on the minus strand). VCF-style: chr5-128289947-A-G. GRCh37 (hg19) VCF-style: chr5-127625639-A-G.
Other names: short protein forms V2149A.
Identifiers: ClinVar variation 416906 (VCV000416906.14), dbSNP rs191065419, ClinGen allele CA3394404.